The following is an entry in ClinVar:

NM_000179.3(MSH6):c.581C>G (p.Ala194Gly)

Gene: MSH6 (mutS homolog 6; plus strand). Cytogenetic location: 2p16.3.
Variant type: single nucleotide variant.
Coding change: c.581C>G on transcript NM_000179.3 (MANE Select); coding-DNA position 581, C replaced by G.
Protein change: p.Ala194Gly; replaces alanine 194 with glycine.
Molecular consequence: missense variant. On other transcripts: 5 prime UTR variant (1), intron variant (2).
Genome position (GRCh38, 1-based): chr2:47,796,017, C>G. VCF-style: chr2-47796017-C-G. GRCh37 (hg19) VCF-style: chr2-48023156-C-G.
Other names: c.-322C>G (NM_001281494.2); c.-279-2594C>G (NM_001281493.2); c.238-2594C>G (NM_001281492.2); short protein forms A194G.
Identifiers: ClinVar variation 568683 (VCV000568683.13), dbSNP rs1558656693, ClinGen allele CA346738815.
Genomic context (GRCh38, chr2:47,796,017, plus strand): 5'-GAGCAATGCAACGTGCAGATGAAGCCTTAAATAAAGACAAGATTAAGAGGCTTGAATTGG[C>G]AGTTTGTGATGAGCCCTCAGAGCCAGAAGAGGAAGAAGAGATGGAGGTGGGACACGGCAA-3'
Protein context (NP_000170.1, residues 184-204): NKDKIKRLEL[Ala194Gly]VCDEPSEPEE

ClinVar aggregate classification (germline): Uncertain significance. Review status: criteria provided, multiple submitters, no conflicts (2 of 4 stars). 2 submissions from 2 submitters: Uncertain significance (2). Last evaluated 2021-04-15.

Conditions:
Hereditary nonpolyposis colorectal neoplasms. Identifiers: MedGen C0009405, MeSH D003123.
Hereditary cancer-predisposing syndrome. Also called: Neoplastic Syndromes, Hereditary; Tumor predisposition; Hereditary neoplastic syndrome; Hereditary Cancer Syndrome. Identifiers: Orphanet 140162, MedGen C0027672, MeSH D009386, MONDO:0015356.

Submissions (2):

Ambry Genetics
Classification: Uncertain significance for Hereditary cancer-predisposing syndrome. Last evaluated: 2021-04-15. Review status: criteria provided, single submitter. Criteria: Ambry Variant Classification Scheme 2023. Collection method: clinical testing. Allele origin: germline.
Comment: The p.A194G variant (also known as c.581C>G), located in coding exon 3 of the MSH6 gene, results from a C to G substitution at nucleotide position 581. The alanine at codon 194 is replaced by glycine, an amino acid with similar properties. This amino acid position is highly conserved in available vertebrate species. In addition, the in silico prediction for this alteration is inconclusive. Since supporting evidence is limited at this time, the clinical significance of this alteration remains unclear.

Labcorp Genetics (formerly Invitae), Labcorp
Classification: Uncertain significance for Hereditary nonpolyposis colorectal neoplasms. Last evaluated: 2019-11-13. Review status: criteria provided, single submitter. Criteria: Invitae Variant Classification Sherloc (09022015). Collection method: clinical testing. Allele origin: germline.
Comment: This variant has not been reported in the literature in individuals with MSH6-related disease. This variant is not present in population databases (ExAC no frequency). This sequence change replaces alanine with glycine at codon 194 of the MSH6 protein (p.Ala194Gly). The alanine residue is weakly conserved and there is a small physicochemical difference between alanine and glycine. Algorithms developed to predict the effect of missense changes on protein structure and function do not agree on the potential impact of this missense change (SIFT: "Tolerated"; PolyPhen-2: "Possibly Damaging"; Align-GVGD: "Class C0"). In summary, the available evidence is currently insufficient to determine the role of this variant in disease. Therefore, it has been classified as a Variant of Uncertain Significance.